The following is an entry in ClinVar:

NM_017654.4(SAMD9):c.95del (p.His32fs)

Gene: SAMD9 (sterile alpha motif domain containing 9; minus strand). Cytogenetic location: 7q21.2.
Variant type: Deletion.
Coding change: c.95del on transcript NM_017654.4 (MANE Select); coding-DNA position 95, one base deleted (A; older notation c.95delA).
Protein change: p.His32fs; shifts the reading frame from histidine 32.
Molecular consequence: frameshift variant.
Genome position (GRCh38, 1-based): chr7:93,106,003, T deleted on the plus strand (A on the coding strand, the reverse complement: SAMD9 is on the minus strand). VCF-style (leftmost placement, unchanged base first): chr7-93106002-GT-G. GRCh37 (hg19) VCF-style: chr7-92735315-GT-G.
Other names: c.95del, p.His32fs (NM_001193307.2); c.95delA (NM_001193307.1); c.95del (NM_017654.3); short protein forms H32fs.
Identifiers: ClinVar variation 225462 (VCV000225462.2), dbSNP rs1085307093, ClinGen allele CA576706801.

ClinVar aggregate classification (germline): Uncertain significance. Review status: criteria provided, multiple submitters, no conflicts (2 of 4 stars). 2 submissions from 2 submitters: Uncertain significance (2). Last evaluated 2023-12-07.

Conditions:
Normophosphatemic familial tumoral calcinosis. Also called: CALCINOSIS, TUMORAL, WITH NORMOPHOSPHATEMIA. Identifiers: Orphanet 306658, Orphanet 53715, MedGen C1864861, MONDO:0012502, OMIM 610455.

Allele frequency attached by ClinVar (database versions not stated): TOPMed 0.00001; gnomAD exomes below 0.00001.

Submissions (2):

GeneDx
Classification: Uncertain significance. Last evaluated: 2023-12-07. Review status: criteria provided, single submitter. Criteria: GeneDx Variant Classification Process June 2021. Collection method: clinical testing. Allele origin: germline. Affected: yes.
Comment: Frameshift variant predicted to result in abnormal protein length as the last 1558 amino acids are replaced with 4 different amino acids; Not observed at significant frequency in large population cohorts (gnomAD); Has not been previously published as pathogenic or benign to our knowledge; This variant is associated with the following publications: (PMID: 16960814, 18094730)

Soonchunhyang University Bucheon Hospital, Soonchunhyang University Medical Center
Classification: Uncertain significance for Normophosphatemic familial tumoral calcinosis. Last evaluated: 2016-03-18. Review status: criteria provided, single submitter. Criteria: ACMG Guidelines, 2015. Collection method: reference population. Allele origin: germline. Observed: 1 variant allele.

Literature cited by the submitters: PubMed 16960814 (cited by Soonchunhyang University Bucheon Hospital, Soonchunhyang University Medical Center); PubMed 18094730 (cited by Soonchunhyang University Bucheon Hospital, Soonchunhyang University Medical Center).